The following is an entry in ClinVar:

NM_024596.5(MCPH1):c.1978C>T (p.Gln660Ter)

Gene: MCPH1 (microcephalin 1; plus strand). Cytogenetic location: 8p23.1.
Variant type: single nucleotide variant.
Coding change: c.1978C>T on transcript NM_024596.5 (MANE Select); coding-DNA position 1978, C replaced by T.
Protein change: p.Gln660Ter; replaces glutamine 660 with a stop codon.
Molecular consequence: nonsense. On other transcripts: genic downstream transcript variant (1).
Genome position (GRCh38, 1-based): chr8:6,480,718, C>T. VCF-style: chr8-6480718-C-T. GRCh37 (hg19) VCF-style: chr8-6338239-C-T.
Other names: c.1978C>T, p.Gln660Ter (NM_001322042.2, NM_001363979.1, NM_001410916.1 and 1 more transcripts); c.1935+25466C>T (NM_001363980.2); short protein forms Q660*.
Identifiers: ClinVar variation 1705042 (VCV001705042.1), dbSNP rs369240170, ClinGen allele CA370215583.

ClinVar aggregate classification (germline): Likely pathogenic (1 of 4 stars; one submission).

Conditions:
Autosomal recessive primary microcephaly. Identifiers: Orphanet 2512, MedGen C3711387, MONDO:0016660.

Submission:

Women's Health and Genetics/Laboratory Corporation of America, LabCorp
Classification: Likely pathogenic for Autosomal recessive primary microcephaly. Last evaluated: 2022-08-04. Review status: criteria provided, single submitter. Criteria: LabCorp Variant Classification Summary - May 2015. Collection method: clinical testing. Allele origin: germline.
Comment: Variant summary: MCPH1 c.1978C>T (p.Gln660X) results in a premature termination codon, predicted to cause a truncation of the encoded protein or absence of the protein due to nonsense mediated decay, which are commonly known mechanisms for disease. Truncations downstream of this position have been reported in association with Global developmental delay and microcephaly in HGMD. The variant was absent in 249572 control chromosomes (gnomAD). To our knowledge, no occurrence of c.1978C>T in individuals affected with Primary Autosomal Recessive Microcephaly and no experimental evidence demonstrating its impact on protein function have been reported. No clinical diagnostic laboratories have submitted clinical-significance assessments for this variant to ClinVar after 2014. Based on the evidence outlined above, the variant was classified as likely pathogenic.